The following is an entry in ClinVar:

ClinVar aggregate classification (germline): Likely benign (0 of 4 stars; one submission).

Conditions:
NRP2-related disorder. Also called: NRP2-related condition.

Allele frequency attached by ClinVar (database versions not stated): gnomAD 0.00005; gnomAD exomes 0.00007; ESP Exome Variant Server 0.00008; ExAC 0.00002.
gnomAD v4.1: 105 of 1,614,036 alleles (0.0065%); highest among the groups gnomAD compares: Non-Finnish European, 0.0088%; no homozygotes.

Submissions (2):

PreventionGenetics, part of Exact Sciences
Classification: Likely benign for NRP2-related condition. Last evaluated: 2021-08-10. Review status: no assertion criteria provided. Collection method: clinical testing. Allele origin: germline.
Comment: This variant is classified as likely benign based on ACMG/AMP sequence variant interpretation guidelines (Richards et al. 2015 PMID: 25741868, with internal and published modifications).

Dr. Peter K. Rogan Lab, Western University
No classification provided (evidence only). Condition: Ovarian serous cystadenocarcinoma. Review status: no classification provided. Collection method: in vitro. Allele origin: not applicable. Functional consequence: retained intron. Not counted in ClinVar's aggregate classification.

NM_003872.3(NRP2):c.1785A>C (p.Thr595=)

Gene: NRP2 (neuropilin 2; plus strand). Cytogenetic location: 2q33.3.
Variant type: single nucleotide variant.
Coding change: c.1785A>C on transcript NM_003872.3 (MANE Select); coding-DNA position 1785, A replaced by C.
Protein change: p.Thr595=; no amino-acid change (threonine 595 retained).
Molecular consequence: synonymous variant.
Genome position (GRCh38, 1-based): chr2:205,745,889, A>C. VCF-style: chr2-205745889-A-C. GRCh37 (hg19) VCF-style: chr2-206610613-A-C.
Other names: NC_000002.11:g.206610613A>C; c.1785A>C, p.Thr595= (NM_018534.4, NM_201266.2, NM_201267.2 and 1 more transcripts).
Identifiers: ClinVar variation 3036582 (VCV003036582.3), dbSNP rs374822572, ClinGen allele CA2069195.